The following is an entry in ClinVar:

NM_024665.7(TBL1XR1):c.977G>T (p.Ser326Ile)

Genes: TBL1XR1 (TBL1X/Y related 1; minus strand), TBL1XR1-AS1 (TBL1XR1 antisense RNA 1; plus strand), LOC126806878 (CDK7 strongly-dependent group 2 enhancer GRCh37_chr3:176755168-176756367; plus strand). Cytogenetic location: 3q26.32.
Variant type: single nucleotide variant.
Coding change: c.977G>T on transcript NM_024665.7 (MANE Select); coding-DNA position 977, G replaced by T.
Protein change: p.Ser326Ile; replaces serine 326 with isoleucine.
Molecular consequence: missense variant.
Genome position (GRCh38, 1-based): chr3:177,038,383, C>A on the plus strand (G>T on the coding strand, the complement: TBL1XR1 is on the minus strand). VCF-style: chr3-177038383-C-A. GRCh37 (hg19) VCF-style: chr3-176756171-C-A.
Other names: c.977G>T, p.Ser326Ile (NM_001321193.3, NM_001321194.3, NM_001374327.1 and 2 more transcripts); c.716G>T, p.Ser239Ile (NM_001321195.3, NM_001374330.1); short protein forms S326I, S239I.
Identifiers: ClinVar variation 431083 (VCV000431083.2), dbSNP rs1135401760, ClinGen allele CA355555388.
Genomic context (GRCh38, chr3:177,038,383, plus strand): 5'-TGGAATGTTTTAATAGGTCTGTCTTGTCCTAATTTACAGACATGAATGCACATATCTGTA[C>A]TACAAGAAGCAAAGGTGTTGTTGCTCTGCCAATCAACATCCAATGCTGGTGCTGCAAAGG-3'
Protein context (NP_078941.2, residues 316-336): WQSNNTFASC[Ser326Ile]TDMCIHVCKL

ClinVar aggregate classification (germline): Likely pathogenic (0 of 4 stars; one submission).

Conditions:
Intellectual developmental disorder, autosomal dominant 41. Also called: Intellectual disability, autosomal dominant 41. Identifiers: Orphanet 2823, MedGen C4310784, MONDO:0014842, OMIM 616944.

Allele frequency attached by ClinVar (database versions not stated): gnomAD exomes below 0.00001.
gnomAD v4.1: 1 of 1,580,632 alleles (0.000063%); highest among the groups gnomAD compares: Non-Finnish European, 0.000086%; no homozygotes.

Submission:

Center for Medical Genetics, Keio University School of Medicine
Classification: Likely pathogenic for Intellectual developmental disorder, autosomal dominant 41. Last evaluated: 2017-08-01. Review status: no assertion criteria provided. Collection method: research. Allele origin: de novo. Inheritance: Sporadic. Affected: yes. Observed: 1 variant allele, 1 heterozygote. Study: IRUD at Keio.
Comment: de novo